The following is an entry in ClinVar:

NM_001139.3(ALOX12B):c.1207C>T (p.His403Tyr)

Gene: ALOX12B (arachidonate 12-lipoxygenase, 12R type; minus strand). Cytogenetic location: 17p13.1.
Variant type: single nucleotide variant.
Coding change: c.1207C>T on transcript NM_001139.3 (MANE Select); coding-DNA position 1207, C replaced by T.
Protein change: p.His403Tyr; replaces histidine 403 with tyrosine.
Molecular consequence: missense variant.
Genome position (GRCh38, 1-based): chr17:8,077,058, G>A on the plus strand (C>T on the coding strand, the complement: ALOX12B is on the minus strand). VCF-style: chr17-8077058-G-A. GRCh37 (hg19) VCF-style: chr17-7980376-G-A.
Other names: c.1207C>T, p.His403Tyr (LRG_1264t1); short protein forms H403Y.
Identifiers: ClinVar variation 39543 (VCV000039543.4), dbSNP rs397514531, ClinGen allele CA261169.
Genomic context (GRCh38, chr17:8,077,058, plus strand): 5'-GGGGGTGGCACATGGGCAGGTTCCTCAGCAAGGCCAGGCAGAAGGCCTCAGCAATGAGGT[G>A]TGTCTCCAGCAGGTGGGCGATGGCCTCGTGGCTGTAGAACTCCGCATAGCGTACCCACGT-3'
Protein context (NP_001130.1, residues 393-413): HEAIAHLLET[His403Tyr]LIAEAFCLAL

ClinVar aggregate classification (germline): Uncertain significance. Review status: criteria provided, single submitter (1 of 4 stars). 2 submissions from 2 submitters: Uncertain significance (1). 1 of the submissions does not count toward it. Last evaluated 2025-04-09.

Conditions:
Autosomal recessive congenital ichthyosis 2 (ARCI2). Identifiers: Orphanet 281122, Orphanet 79394, MedGen C3888093, MONDO:0009439, OMIM 242100.

Allele frequency attached by ClinVar (database versions not stated): TOPMed below 0.00001; ExAC 0.00001; gnomAD exomes 0.00001.

Submissions (2):

Women's Health and Genetics/Laboratory Corporation of America, LabCorp
Classification: Uncertain significance. Last evaluated: 2025-04-09. Review status: criteria provided, single submitter. Criteria: LabCorp Variant Classification Summary - May 2015. Collection method: clinical testing. Allele origin: germline.
Comment: Variant summary: ALOX12B c.1207C>T (p.His403Tyr) results in a conservative amino acid change in the encoded protein sequence. Four of five in-silico tools predict a damaging effect of the variant on protein function. The variant allele was found at a frequency of 8e-06 in 250964 control chromosomes. c.1207C>T has been reported in the literature in individuals affected with Lamellar Ichthyosis (Harting_2008, Wertheim-Tysarowska_2024). These data indicate that the variant may be associated with disease. To our knowledge, no experimental evidence demonstrating an impact on protein function has been reported. The following publications have been ascertained in the context of this evaluation (PMID: 18347291, 39501396). ClinVar contains an entry for this variant (Variation ID: 39543). Based on the evidence outlined above, the variant was classified as VUS-possibly pathogenic.

OMIM
Classification: Pathogenic for ICHTHYOSIS, CONGENITAL, AUTOSOMAL RECESSIVE 2. Last evaluated: 2008-03-01. Review status: no assertion criteria provided. Collection method: literature only. Allele origin: germline. Not counted in ClinVar's aggregate classification.

Literature cited by the submitters: PubMed 18347291 (cited by Women's Health and Genetics/Laboratory Corporation of America, LabCorp and OMIM); PubMed 39501396 (cited by Women's Health and Genetics/Laboratory Corporation of America, LabCorp).